The following is an entry in ClinVar:

ClinVar aggregate classification (germline): Uncertain significance. Review status: criteria provided, multiple submitters, no conflicts (2 of 4 stars). 2 submissions from 2 submitters: Uncertain significance (2). Last evaluated 2025-04-04.

Conditions:
Inborn genetic diseases. Identifiers: MedGen C0950123, MeSH D030342.
Congenital myasthenic syndrome 5. Identifiers: Orphanet 590, MedGen C1864233, MONDO:0011281, OMIM 603034.

Allele frequency attached by ClinVar (database versions not stated): gnomAD 0.00001; TOPMed 0.00003.
gnomAD v4.1: 22 of 1,614,004 alleles (0.0014%); highest among the groups gnomAD compares: East Asian, 0.013%; no homozygotes.

Submissions (2):

Ambry Genetics
Classification: Uncertain significance for Inborn genetic diseases. Last evaluated: 2025-04-04. Review status: criteria provided, single submitter. Criteria: Ambry Variant Classification Scheme 2023. Collection method: clinical testing. Allele origin: germline.

Labcorp Genetics (formerly Invitae), Labcorp
Classification: Uncertain significance for Congenital myasthenic syndrome 5. Last evaluated: 2023-06-30. Review status: criteria provided, single submitter. Criteria: Invitae Variant Classification Sherloc (09022015). Collection method: clinical testing. Allele origin: germline.
Comment: ClinVar contains an entry for this variant (Variation ID: 652725). In summary, the available evidence is currently insufficient to determine the role of this variant in disease. Therefore, it has been classified as a Variant of Uncertain Significance. Advanced modeling of protein sequence and biophysical properties (such as structural, functional, and spatial information, amino acid conservation, physicochemical variation, residue mobility, and thermodynamic stability) has been performed at Invitae for this missense variant, however the output from this modeling did not meet the statistical confidence thresholds required to predict the impact of this variant on COLQ protein function. This variant has not been reported in the literature in individuals affected with COLQ-related conditions. The frequency data for this variant in the population databases is considered unreliable, as metrics indicate poor data quality at this position in the gnomAD database. This sequence change replaces aspartic acid, which is acidic and polar, with asparagine, which is neutral and polar, at codon 447 of the COLQ protein (p.Asp447Asn).

NM_005677.4(COLQ):c.1339G>A (p.Asp447Asn)

Gene: COLQ (collagen like tail subunit of asymmetric acetylcholinesterase; minus strand). Cytogenetic location: 3p25.1.
Variant type: single nucleotide variant.
Coding change: c.1339G>A on transcript NM_005677.4 (MANE Select); coding-DNA position 1339, G replaced by A.
Protein change: p.Asp447Asn; replaces aspartic acid 447 with asparagine.
Molecular consequence: missense variant.
Genome position (GRCh38, 1-based): chr3:15,451,673, C>T on the plus strand (G>A on the coding strand, the complement: COLQ is on the minus strand). VCF-style: chr3-15451673-C-T. GRCh37 (hg19) VCF-style: chr3-15493180-C-T.
Other names: c.1309G>A, p.Asp437Asn (NM_080538.2); c.1237G>A, p.Asp413Asn (NM_080539.4); short protein forms D413N, D437N, D447N.
Identifiers: ClinVar variation 652725 (VCV000652725.9), dbSNP rs770753693, ClinGen allele CA2275775.